The following is an entry in ClinVar:

ClinVar aggregate classification (germline): Uncertain significance. Review status: criteria provided, multiple submitters, no conflicts (2 of 4 stars). 2 submissions from 2 submitters: Uncertain significance (2). Last evaluated 2025-12-02.

Conditions:
RAI1-related disorder. Also called: RAI1-related condition.

Submissions (2):

PreventionGenetics, part of Exact Sciences
Classification: Uncertain significance for RAI1-related condition. Last evaluated: 2025-12-02. Review status: criteria provided, single submitter. Criteria: ACMG Guidelines, 2015. Collection method: clinical testing. Allele origin: germline.
Comment: The RAI1 c.2315G>A variant is predicted to result in the amino acid substitution p.Gly772Asp. To our knowledge, this variant has not been reported in the literature or in a large population database (gnomAD), indicating this variant is rare. At this time, the clinical significance of this variant is uncertain due to the absence of conclusive functional and genetic evidence.

Labcorp Genetics (formerly Invitae), Labcorp
Classification: Uncertain significance. Last evaluated: 2022-08-16. Review status: criteria provided, single submitter. Criteria: Invitae Variant Classification Sherloc (09022015). Collection method: clinical testing. Allele origin: germline.
Comment: This sequence change replaces glycine, which is neutral and non-polar, with aspartic acid, which is acidic and polar, at codon 772 of the RAI1 protein (p.Gly772Asp). This variant is not present in population databases (gnomAD no frequency). This variant has not been reported in the literature in individuals affected with RAI1-related conditions. Algorithms developed to predict the effect of missense changes on protein structure and function output the following: SIFT: "Deleterious"; PolyPhen-2: "Benign"; Align-GVGD: "Class C0". The aspartic acid amino acid residue is found in multiple mammalian species, which suggests that this missense change does not adversely affect protein function. In summary, the available evidence is currently insufficient to determine the role of this variant in disease. Therefore, it has been classified as a Variant of Uncertain Significance.

NM_030665.4(RAI1):c.2315G>A (p.Gly772Asp)

Gene: RAI1 (retinoic acid induced 1; plus strand). Cytogenetic location: 17p11.2.
Variant type: single nucleotide variant.
Coding change: c.2315G>A on transcript NM_030665.4 (MANE Select); coding-DNA position 2315, G replaced by A.
Protein change: p.Gly772Asp; replaces glycine 772 with aspartic acid.
Molecular consequence: missense variant.
Genome position (GRCh38, 1-based): chr17:17,795,263, G>A. VCF-style: chr17-17795263-G-A. GRCh37 (hg19) VCF-style: chr17-17698577-G-A.
Other names: c.2315G>A (NM_030665.3); short protein forms G772D.
Identifiers: ClinVar variation 2013265 (VCV002013265.5), dbSNP rs2508580687, ClinGen allele CA398550691.